The following is an entry in ClinVar:

NM_053004.3(GNB1L):c.930C>T (p.Ala310=)

Gene: GNB1L (G protein subunit beta 1 like; minus strand). Cytogenetic location: 22q11.21.
Variant type: single nucleotide variant.
Coding change: c.930C>T on transcript NM_053004.3 (MANE Select); coding-DNA position 930, C replaced by T.
Protein change: p.Ala310=; no amino-acid change (alanine 310 retained).
Molecular consequence: synonymous variant.
Genome position (GRCh38, 1-based): chr22:19,788,763, G>A on the plus strand (C>T on the coding strand, the complement: GNB1L is on the minus strand). VCF-style: chr22-19788763-G-A. GRCh37 (hg19) VCF-style: chr22-19776286-G-A.
Identifiers: ClinVar variation 3045918 (VCV003045918.2), dbSNP rs530939409, ClinGen allele CA10102954.

ClinVar aggregate classification (germline): Likely benign (0 of 4 stars; one submission).

Conditions:
GNB1L-related disorder. Also called: GNB1L-related condition.

Allele frequency attached by ClinVar (database versions not stated): ExAC 0.00009; gnomAD exomes 0.00009; gnomAD 0.00013; TOPMed 0.00015; 1000 Genomes Project 30x 0.00016; 1000 Genomes Project 0.00020.
gnomAD v4.1: 148 of 1,611,968 alleles (0.0092%); highest among the groups gnomAD compares: Middle Eastern, 0.017%; no homozygotes.

Submission:

PreventionGenetics, part of Exact Sciences
Classification: Likely benign for GNB1L-related condition. Last evaluated: 2019-10-28. Review status: no assertion criteria provided. Collection method: clinical testing. Allele origin: germline.
Comment: This variant is classified as likely benign based on ACMG/AMP sequence variant interpretation guidelines (Richards et al. 2015 PMID: 25741868, with internal and published modifications).